The following is an entry in ClinVar:

NM_014244.5(ADAMTS2):c.790G>A (p.Asp264Asn)

Gene: ADAMTS2 (ADAM metallopeptidase with thrombospondin type 1 motif 2; minus strand). Cytogenetic location: 5q35.3.
Variant type: single nucleotide variant.
Coding change: c.790G>A on transcript NM_014244.5 (MANE Select); coding-DNA position 790, G replaced by A.
Protein change: p.Asp264Asn; replaces aspartic acid 264 with asparagine.
Molecular consequence: missense variant.
Genome position (GRCh38, 1-based): chr5:179,207,614, C>T on the plus strand (G>A on the coding strand, the complement: ADAMTS2 is on the minus strand). VCF-style: chr5-179207614-C-T. GRCh37 (hg19) VCF-style: chr5-178634615-C-T.
Other names: p.Asp264Asn; c.790G>A, p.Asp264Asn (NM_021599.4); short protein forms D264N.
Identifiers: ClinVar variation 639787 (VCV000639787.14), dbSNP rs374717566, ClinGen allele CA3596158.

ClinVar aggregate classification (germline): Conflicting classifications of pathogenicity. Review status: criteria provided, conflicting classifications (1 of 4 stars). 7 submissions from 7 submitters: Uncertain significance (5); Likely benign (1). 1 of the submissions does not count toward it. Last evaluated 2025-05-05.

Conditions:
Inborn genetic diseases. Identifiers: MedGen C0950123, MeSH D030342.
Ehlers-Danlos syndrome, dermatosparaxis type. Also called: Ehlers-Danlos syndrome, type VII, autosomal recessive; Dermatosparaxis; EDS VIIC. Identifiers: Orphanet 1901, MedGen C2700425, MONDO:0009161, OMIM 225410.

Allele frequency attached by ClinVar (database versions not stated): ESP Exome Variant Server 0.00008; ExAC 0.00011; TOPMed 0.00015; gnomAD exomes 0.00017; gnomAD 0.00018.
gnomAD v4.1: 327 of 1,613,736 alleles (0.02%); highest among the groups gnomAD compares: Middle Eastern, 0.033%; no homozygotes.

Submissions (7):

Women's Health and Genetics/Laboratory Corporation of America, LabCorp
Classification: Uncertain significance. Last evaluated: 2025-05-05. Review status: criteria provided, single submitter. Criteria: LabCorp Variant Classification Summary - May 2015. Collection method: clinical testing. Allele origin: germline.
Comment: Variant summary: ADAMTS2 c.790G>A (p.Asp264Asn) results in a conservative amino acid change in the encoded protein sequence. Algorithms developed to predict the effect of missense changes on protein structure and function all suggest that this variant is likely to be tolerated. The variant allele was found at a frequency of 0.00017 in 251378 control chromosomes. This frequency is not significantly higher than estimated for a pathogenic variant in ADAMTS2 causing Ehlers-Danlos syndrome, dermatosparaxis type (0.00017 vs 0.0011), allowing no conclusion about variant significance. To our knowledge, no occurrence of c.790G>A in individuals affected with Ehlers-Danlos syndrome, dermatosparaxis type and no experimental evidence demonstrating its impact on protein function have been reported. ClinVar contains an entry for this variant (Variation ID: 639787). Based on the evidence outlined above, the variant was classified as uncertain significance.

Ambry Genetics
Classification: Uncertain significance for Inborn genetic diseases. Last evaluated: 2025-02-01. Review status: criteria provided, single submitter. Criteria: Ambry Variant Classification Scheme 2023. Collection method: clinical testing. Allele origin: germline.

Blueprint Genetics
Classification: Likely benign. Last evaluated: 2024-04-11. Review status: criteria provided, single submitter. Criteria: ACMG Guidelines, 2015. Collection method: clinical testing. Allele origin: germline.

GeneDx
Classification: Uncertain significance. Last evaluated: 2023-09-08. Review status: criteria provided, single submitter. Criteria: GeneDx Variant Classification Process June 2021. Collection method: clinical testing. Allele origin: germline. Affected: yes.
Comment: Has not been previously published as pathogenic or benign to our knowledge; In silico analysis supports that this missense variant does not alter protein structure/function

Labcorp Genetics (formerly Invitae), Labcorp
Classification: Uncertain significance for Ehlers-Danlos syndrome, dermatosparaxis type. Last evaluated: 2022-07-01. Review status: criteria provided, single submitter. Criteria: Invitae Variant Classification Sherloc (09022015). Collection method: clinical testing. Allele origin: germline.
Comment: This sequence change replaces aspartic acid, which is acidic and polar, with asparagine, which is neutral and polar, at codon 264 of the ADAMTS2 protein (p.Asp264Asn). This variant is present in population databases (rs374717566, gnomAD 0.03%). This variant has not been reported in the literature in individuals affected with ADAMTS2-related conditions. ClinVar contains an entry for this variant (Variation ID: 639787). Algorithms developed to predict the effect of missense changes on protein structure and function (SIFT, PolyPhen-2, Align-GVGD) all suggest that this variant is likely to be tolerated. In summary, the available evidence is currently insufficient to determine the role of this variant in disease. Therefore, it has been classified as a Variant of Uncertain Significance.

Mayo Clinic Laboratories, Mayo Clinic
Classification: Uncertain significance. Last evaluated: 2022-03-29. Review status: criteria provided, single submitter. Criteria: ACMG Guidelines, 2015. Collection method: clinical testing. Allele origin: germline. Observed: 1 variant allele.
Comment: BP4

Natera, Inc.
Classification: Likely benign for Ehlers-Danlos syndrome type VIIC. Last evaluated: 2020-04-20. Review status: no assertion criteria provided. Collection method: clinical testing. Allele origin: germline. Not counted in ClinVar's aggregate classification.